The following is an entry in ClinVar:

ClinVar aggregate classification (germline): Uncertain significance. Review status: no assertion criteria provided (0 of 4 stars). 2 submissions from 1 submitter: Uncertain significance (1). 1 of the submissions does not count toward it.

Conditions:
Charcot-Marie-Tooth disease. Also called: Charcot-Marie-Tooth Hereditary Neuropathy; Charcot-Marie-Tooth Neuropathy. Identifiers: Orphanet 166, MedGen C0007959, MONDO:0015626.

Submissions (2):

Inherited Neuropathy Consortium
Classification: Uncertain significance for Charcot-Marie-Tooth disease. Review status: no assertion criteria provided. Collection method: literature only. Allele origin: germline. Affected: yes.

Inherited Neuropathy Consortium
Classification: Uncertain significance for Charcot-Marie-Tooth disease. Review status: flagged submission. Collection method: literature only. Allele origin: germline. Affected: yes. Not counted in ClinVar's aggregate classification.
ClinVar note: Reason: This record appears to be redundant with a more recent record from the same submitter.
ClinVar note: Notes: SCV000928874 appears to be redundant with SCV000929663.

Literature cited by the submitters: PubMed 10737979.

NM_000304.4(PMP22):c.75_78+2del

Gene: PMP22 (peripheral myelin protein 22; minus strand). Cytogenetic location: 17p12.
Variant type: Deletion.
Coding change: c.75_78+2del on transcript NM_000304.4 (MANE Select); coding-DNA position 75 through the canonical splice donor site of the intron after coding-DNA position 78, 6 bases deleted (CAGCGT; older notation c.75_78+2delCAGCGT).
Molecular consequence: splice donor variant.
Genome position (GRCh38, 1-based): chr17:15,260,648-15,260,653, ACGCTG deleted on the plus strand (CAGCGT on the coding strand, the reverse complement: PMP22 is on the minus strand); deleting any 6 consecutive bases within chr17:15,260,648-15,260,656 gives the same sequence; the c. name uses the placement nearest the transcript's 3' end. VCF-style (leftmost placement, unchanged base first): chr17-15260647-CACGCTG-C. GRCh37 (hg19) VCF-style: chr17-15163964-CACGCTG-C.
Other names: c.75_78+2del (NM_001281456.2, NM_153321.3, NM_001281455.2 and 2 more transcripts); c.73_78delGTCAGC (NM_000304.2).
Identifiers: ClinVar variation 637895 (VCV000637895.2), dbSNP rs1597635535, ClinGen allele CA915949589.